The following is an entry in ClinVar:

ClinVar aggregate classification (germline): Uncertain significance (1 of 4 stars; one submission).

Submission:

Labcorp Genetics (formerly Invitae), Labcorp
Classification: Uncertain significance. Last evaluated: 2025-08-18. Review status: criteria provided, single submitter. Criteria: Invitae Variant Classification Sherloc (09022015). Collection method: clinical testing. Allele origin: germline.
Comment: This sequence change replaces isoleucine, which is neutral and non-polar, with phenylalanine, which is neutral and non-polar, at codon 344 of the POLE protein (p.Ile344Phe). This variant is not present in population databases (gnomAD no frequency). This variant has not been reported in the literature in individuals affected with POLE-related conditions. ClinVar contains an entry for this variant (Variation ID: 1353419). Invitae Evidence Modeling of protein sequence and biophysical properties (such as structural, functional, and spatial information, amino acid conservation, physicochemical variation, residue mobility, and thermodynamic stability) indicates that this missense variant is expected to disrupt POLE protein function with a positive predictive value of 80%. In summary, the available evidence is currently insufficient to determine the role of this variant in disease. Therefore, it has been classified as a Variant of Uncertain Significance.

NM_006231.4(POLE):c.1030A>T (p.Ile344Phe)

Gene: POLE (DNA polymerase epsilon, catalytic subunit; minus strand). Cytogenetic location: 12q24.33.
Variant type: single nucleotide variant.
Coding change: c.1030A>T on transcript NM_006231.4 (MANE Select); coding-DNA position 1030, A replaced by T.
Protein change: p.Ile344Phe; replaces isoleucine 344 with phenylalanine.
Molecular consequence: missense variant.
Genome position (GRCh38, 1-based): chr12:132,675,811, T>A on the plus strand (A>T on the coding strand, the complement: POLE is on the minus strand). VCF-style: chr12-132675811-T-A. GRCh37 (hg19) VCF-style: chr12-133252397-T-A.
Other names: short protein forms I344F.
Identifiers: ClinVar variation 1353419 (VCV001353419.8), dbSNP rs2136011987, ClinGen allele CA387361847.